The following is an entry in ClinVar:

NM_005026.5(PIK3CD):c.1579G>A (p.Glu527Lys)

Gene: PIK3CD (phosphatidylinositol-4,5-bisphosphate 3-kinase catalytic subunit delta; plus strand). Cytogenetic location: 1p36.22.
Variant type: single nucleotide variant.
Coding change: c.1579G>A on transcript NM_005026.5 (MANE Select); coding-DNA position 1579, G replaced by A.
Protein change: p.Glu527Lys; replaces glutamic acid 527 with lysine.
Molecular consequence: missense variant.
Genome position (GRCh38, 1-based): chr1:9,720,799, G>A. VCF-style: chr1-9720799-G-A. GRCh37 (hg19) VCF-style: chr1-9780857-G-A.
Other names: c.1576G>A, p.Glu526Lys (NM_001350234.2); c.1492G>A, p.Glu498Lys (NM_001350235.1); short protein forms E498K, E526K, E527K.
Identifiers: ClinVar variation 1328117 (VCV001328117.4), dbSNP rs749871179, ClinGen allele CA338303825.

ClinVar aggregate classification (germline): Uncertain significance (1 of 4 stars; one submission).

Conditions:
Activated PI3K-delta syndrome. Identifiers: Orphanet 397596, MedGen C3714976, MONDO:0018338.

gnomAD v4.1: 5 of 1,613,142 alleles (0.00031%); highest among the groups gnomAD compares: Non-Finnish European, 0.00042%; no homozygotes.

Submission:

Illumina Laboratory Services, Illumina
Classification: Uncertain significance for activated PI3K-delta syndrome. Last evaluated: 2021-08-31. Review status: criteria provided, single submitter. Criteria: ICSLVariantClassificationCriteria RUGD 01 April 2020. Collection method: clinical testing. Allele origin: unknown.
Comment: The PIK3CD c.1579G>A (p.Glu527Lys) variant is a missense variant. A literature search was performed for the gene, cDNA change, and amino acid change. No publications were found based on this search. The p.Glu527Lys variant is reported at a frequency of 0.000009 in the European (non-Finnish) population of the Genome Aggregation Database (version 2.1.1), though this is based on one allele in a region of good sequence coverage so the variant is presumed to be rare. Multiple lines of computational evidence suggest that this variant may have a deleterious impact, though these predictions have not been confirmed experimentally. Based on the identification of the variant in a de novo state, and the available evidence, the p.Glu527Lys variant is classified as a variant of uncertain significance for activated PI3K-delta syndrome.